The following is an entry in ClinVar:

ClinVar aggregate classification (germline): Likely benign. Review status: criteria provided, multiple submitters, no conflicts (2 of 4 stars). 2 submissions from 2 submitters: Likely benign (2). Last evaluated 2026-07-06.

Conditions:
Rhabdoid tumor predisposition syndrome 2 (RTPS2). Identifiers: Orphanet 231108, Orphanet 69077, MedGen C2750074, MONDO:0013224, OMIM 613325.

Allele frequency attached by ClinVar (database versions not stated): gnomAD exomes below 0.00001 and 0.00001.
gnomAD v4.1: 1 of 1,572,862 alleles (0.000064%); highest among the groups gnomAD compares: Non-Finnish European, 0.000086%; no homozygotes.

Submissions (2):

Myriad Genetics, Inc.
Classification: Likely benign for Rhabdoid tumor predisposition syndrome 2. Last evaluated: 2026-07-06. Review status: criteria provided, single submitter. Criteria: Myriad Autosomal Dominant, Autosomal Recessive and X-Linked Classification Criteria (2023). Collection method: clinical testing. Allele origin: unknown.
Comment: This variant is considered likely benign. This variant is intronic and is not expected to impact mRNA splicing.

Labcorp Genetics (formerly Invitae), Labcorp
Classification: Likely benign for Rhabdoid tumor predisposition syndrome 2. Last evaluated: 2019-09-27. Review status: criteria provided, single submitter. Criteria: Invitae Variant Classification Sherloc (09022015). Collection method: clinical testing. Allele origin: germline.

NM_003072.5(SMARCA4):c.222+8T>A

Gene: SMARCA4 (SWI/SNF related BAF chromatin remodeling complex subunit ATPase 4; plus strand). Cytogenetic location: 19p13.2.
Variant type: single nucleotide variant.
Coding change: c.222+8T>A on transcript NM_003072.5 (MANE Select); 8 bases into the intron after coding-DNA position 222, T replaced by A.
Molecular consequence: intron variant.
Genome position (GRCh38, 1-based): chr19:10,984,381, T>A. VCF-style: chr19-10984381-T-A. GRCh37 (hg19) VCF-style: chr19-11095057-T-A.
Other names: c.222+8T>A (NM_001128844.3, NM_001128849.3, NM_001128847.4 and 5 more transcripts).
Identifiers: ClinVar variation 1119173 (VCV001119173.10), dbSNP rs1421634123, ClinGen allele CA631767247.